The following is an entry in ClinVar:

NM_001013838.3(CARMIL2):c.736C>T (p.His246Tyr)

Gene: CARMIL2 (capping protein regulator and myosin 1 linker 2; plus strand). Cytogenetic location: 16q22.1.
Variant type: single nucleotide variant.
Coding change: c.736C>T on transcript NM_001013838.3 (MANE Select); coding-DNA position 736, C replaced by T.
Protein change: p.His246Tyr; replaces histidine 246 with tyrosine.
Molecular consequence: missense variant.
Genome position (GRCh38, 1-based): chr16:67,647,347, C>T. VCF-style: chr16-67647347-C-T. GRCh37 (hg19) VCF-style: chr16-67681250-C-T.
Other names: c.736C>T, p.His246Tyr (NM_001317026.3); short protein forms H246Y.
Identifiers: ClinVar variation 1371775 (VCV001371775.4), dbSNP rs2052613566, ClinGen allele CA396332704.
Genomic context (GRCh38, chr16:67,647,347, plus strand): 5'-TCTGCTTCTCAGAGCCTTGAGGTCTCAGAACAGATTCTGCACATGATGAGTCAGTCATCA[C>T]ACCTGGAGGAGCTGGTGCTGGAGACCTGCAGCCTGAGGGGGTGAGGGGGACAGGGCAGGG-3'
Protein context (NP_001013860.1, residues 236-256): QILHMMSQSS[His246Tyr]LEELVLETCS

ClinVar aggregate classification (germline): Uncertain significance (1 of 4 stars; one submission).

Allele frequency attached by ClinVar (database versions not stated): gnomAD exomes below 0.00001; TOPMed below 0.00001.
gnomAD v4.1: 1 of 1,588,424 alleles (0.000063%); highest among the groups gnomAD compares: Admixed American, 0.0018%; no homozygotes.

Submission:

Labcorp Genetics (formerly Invitae), Labcorp
Classification: Uncertain significance. Last evaluated: 2022-02-18. Review status: criteria provided, single submitter. Criteria: Invitae Variant Classification Sherloc (09022015). Collection method: clinical testing. Allele origin: germline.
Comment: This variant has not been reported in the literature in individuals affected with CARMIL2-related conditions. This variant is not present in population databases (gnomAD no frequency). This sequence change replaces histidine, which is basic and polar, with tyrosine, which is neutral and polar, at codon 246 of the CARMIL2 protein (p.His246Tyr). Algorithms developed to predict the effect of missense changes on protein structure and function output the following: SIFT: "Tolerated"; PolyPhen-2: "Benign"; Align-GVGD: "Class C0". The tyrosine amino acid residue is found in multiple mammalian species, which suggests that this missense change does not adversely affect protein function. In summary, the available evidence is currently insufficient to determine the role of this variant in disease. Therefore, it has been classified as a Variant of Uncertain Significance.